The following is an entry in ClinVar:

NM_001267550.2(TTN):c.34855+1G>A

Gene: TTN (titin; minus strand). Cytogenetic location: 2q31.2.
Variant type: single nucleotide variant.
Coding change: c.34855+1G>A on transcript NM_001267550.2 (MANE Select); the canonical splice donor site of the intron after coding-DNA position 34855, G replaced by A.
Molecular consequence: splice donor variant. On other transcripts: intron variant (3).
Genome position (GRCh38, 1-based): chr2:178,672,634, C>T on the plus strand (G>A on the coding strand, the complement: TTN is on the minus strand). VCF-style: chr2-178672634-C-T. GRCh37 (hg19) VCF-style: chr2-179537361-C-T.
Other names: c.13283-30317G>A (NM_003319.4); c.13859-30317G>A (NM_133437.4); c.13658-30317G>A (NM_133432.3); c.30952+1G>A (NM_133378.4); c.33733+1G>A (NM_001256850.1).
Identifiers: ClinVar variation 202361 (VCV000202361.18), dbSNP rs377319699, ClinGen allele CA309200.
Genomic context (GRCh38, chr2:178,672,634, plus strand): 5'-ACATAAAAGTCTTAACGAAAAAAGACAGAAGAGGAAGTCAGGTTTAAAAGAGAAGATGTA[C>T]CTTTGGCTGGGGGTGCCTCTTTTTTCTGAACAGGAACAGGTACTTTTTCCTCAGGAATTT-3'

ClinVar aggregate classification (germline): Conflicting classifications of pathogenicity. Review status: criteria provided, conflicting classifications (1 of 4 stars). 6 submissions from 6 submitters: Likely pathogenic (2); Uncertain significance (4). Last evaluated 2026-01-21.

Conditions:
TTN-related disorder. Also called: TTN-related disorders; TTN-related condition; TTN-related disease.
Dilated cardiomyopathy 1G (CMD1G). Identifiers: Orphanet 154, MedGen C1858763, MONDO:0011400, OMIM 604145.
Autosomal recessive limb-girdle muscular dystrophy type 2J (LGMDR10). Also called: MUSCULAR DYSTROPHY, LIMB-GIRDLE, AUTOSOMAL RECESSIVE 10; Limb-girdle muscular dystrophy, type 2J. Identifiers: Orphanet 140922, MedGen C1837342, MONDO:0012127, OMIM 608807.

Allele frequency attached by ClinVar (database versions not stated): TOPMed 0.00003; ExAC 0.00006; gnomAD 0.00002; ESP Exome Variant Server 0.00008; gnomAD exomes 0.00004 and 0.00002.
gnomAD v4.1: 37 of 1,611,430 alleles (0.0023%); highest among the groups gnomAD compares: Admixed American, 0.0084%; no homozygotes.

Submissions (6):

PreventionGenetics, part of Exact Sciences
Classification: Likely pathogenic for TTN-related condition. Last evaluated: 2026-01-21. Review status: criteria provided, single submitter. Criteria: ACMG Guidelines, 2015. Collection method: clinical testing. Allele origin: germline.
Comment: The TTN c.34855+1G>A variant is predicted to disrupt the GT donor site and interfere with normal splicing. This variant has been reported in cases (2) and controls (6) from a large population study of cardiometabolic diseases without further evidence for pathogenicity (Suppl table 6; Jurgens et al. 2022. PubMed ID: 35177841). This variant is reported in 0.015% of alleles in individuals of Latino descent in gnomAD. This variant affects the canonical splice donor site of an exon which is located in the I-band region of the TTN protein. RNAseq studies from heart tissue indicate this exon is not commonly included in TTN mRNA transcripts (PSI of 10%, Roberts et al. 2015. PubMed ID: 25589632). TTN loss-of- function variants occurring in non-constitutively expressed exons (PSI < 90%) are less likely to be disease causing for TTN cardiac-related disorders (Roberts et al. 2015. PubMed ID: 25589632; Schafer et al. 2017. PubMed ID: 27869827; Akhtar et al. 2020. PubMed ID: 32964742). Many cases of recessive TTN-related myopathies in which the individual is compound heterozygous for two loss-of-function variants in TTN have also been reported (Ge et al. 2019. PubMed ID: 31053406; Oates et al. 2018. PubMed ID: 29691892; Rees et al. 2021. PubMed ID: 33449170). In summary, this variant is likely pathogenic for autosomal recessive TTN- related congenital titinopathies. However, it is uncertain if this variant would be causative for autosomal dominant TTN-related disorders.

Labcorp Genetics (formerly Invitae), Labcorp
Classification: Likely pathogenic for Dilated cardiomyopathy 1G; Autosomal recessive limb-girdle muscular dystrophy type 2J. Last evaluated: 2025-12-08. Review status: criteria provided, single submitter. Criteria: Invitae Variant Classification Sherloc (09022015). Collection method: clinical testing. Allele origin: germline.
Comment: This sequence change affects a donor splice site in intron 153 of the TTN gene. It is expected to disrupt RNA splicing and likely results in a truncated or disrupted TTN protein. This variant is present in population databases (rs377319699, gnomAD 0.02%). This variant has not been observed in the literature in individuals with autosomal recessive TTN-related conditions. This variant has been reported in individual(s) with dilated cardiomyopathy (internal data); however, the role of the variant in this condition is currently unclear. ClinVar contains an entry for this variant (Variation ID: 202361). Algorithms developed to predict the effect of sequence changes on RNA splicing suggest that this variant may disrupt the consensus splice site. This variant is located in the I band of TTN (PMID: 25589632). Truncating variants in this region have been reported in individuals affected with autosomal recessive centronuclear myopathy (PMID: 23975875, internal data). Truncating variants in this region have also been identified in individuals affected with autosomal dominant dilated cardiomyopathy and/or cardio-related conditions (PMID: 27869827, 32964742, internal data). In summary, the currently available evidence indicates that the variant is pathogenic, but additional data are needed to prove that conclusively. Therefore, this variant has been classified as Likely Pathogenic.

Dasa
Classification: Uncertain significance. Last evaluated: 2025-11-10. Review status: criteria provided, single submitter. Criteria: DASA Assertion Criteria. Collection method: clinical testing. Allele origin: germline.
Comment: NM_001267550.2(TTN):c.34855+1G>A affects a canonical splice site and is predicted to disrupt normal RNA splicing. Published studies describe this variant in association with related phenotype (PMID: 38438525; PMID: 39641695). Also, this variant is rare in population databases. The currently available literature and clinical evidence are not sufficient to establish a definitive association between this variant and the reported condition. Therefore, this variant is classified as a variant of uncertain significance.

GeneDx
Classification: Uncertain significance. Last evaluated: 2025-05-29. Review status: criteria provided, single submitter. Criteria: GeneDx Variant Classification Process June 2021. Collection method: clinical testing. Allele origin: germline. Affected: yes.
Comment: Canonical splice site variant in a gene or region of a gene for which loss of function is not a well-established mechanism of disease; This variant is associated with the following publications: (PMID: 35177841, 27625338, 27869827, 33226272, 31691645, 39641695, 38438525)

Blueprint Genetics
Classification: Uncertain significance. Last evaluated: 2024-10-07. Review status: criteria provided, single submitter. Criteria: ACMG Guidelines, 2015. Collection method: clinical testing. Allele origin: germline.

AiLife Diagnostics
Classification: Uncertain significance. Last evaluated: 2021-12-03. Review status: criteria provided, single submitter. Criteria: ACMG Guidelines, 2015. Collection method: clinical testing. Allele origin: germline. Affected: yes. Observed: 1 variant allele.

Literature cited by the submitters: PubMed 25589632 (cited by Labcorp Genetics (formerly Invitae), Labcorp); PubMed 23975875 (cited by Labcorp Genetics (formerly Invitae), Labcorp); PubMed 27869827 (cited by Labcorp Genetics (formerly Invitae), Labcorp); PubMed 32964742 (cited by Labcorp Genetics (formerly Invitae), Labcorp); PubMed 38438525 (cited by Dasa); PubMed 39641695 (cited by Dasa).